The following is an entry in ClinVar:

ClinVar aggregate classification (germline): Uncertain significance. Review status: criteria provided, multiple submitters, no conflicts (2 of 4 stars). 2 submissions from 2 submitters: Uncertain significance (2). Last evaluated 2025-07-09.

Conditions:
IL6ST-related disorder. Also called: IL6ST-related condition.

Submissions (2):

PreventionGenetics, part of Exact Sciences
Classification: Uncertain significance for IL6ST-related condition. Last evaluated: 2025-07-09. Review status: criteria provided, single submitter. Criteria: ACMG Guidelines, 2015. Collection method: clinical testing. Allele origin: germline.
Comment: The IL6ST c.1847_1848delinsCT variant is predicted to result in an in-frame deletion and insertion. To our knowledge, this variant has not been reported in the literature or in a large population database (gnomAD), indicating this variant is rare. At this time, the clinical significance of this variant is uncertain due to the absence of conclusive functional and genetic evidence.

Labcorp Genetics (formerly Invitae), Labcorp
Classification: Uncertain significance. Last evaluated: 2021-04-11. Review status: criteria provided, single submitter. Criteria: Invitae Variant Classification Sherloc (09022015). Collection method: clinical testing. Allele origin: germline.
Comment: This variant has not been reported in the literature in individuals with IL6ST-related conditions. The frequency data for this variant in the population databases is not available, as this variant may be reported as separate entries in the ExAC database. This sequence change replaces glycine with alanine at codon 616 of the IL6ST protein (p.Gly616Ala). The glycine residue is moderately conserved and there is a small physicochemical difference between glycine and alanine. Algorithms developed to predict the effect of missense changes on protein structure and function are either unavailable or do not agree on the potential impact of this missense change (SIFT: "Not Available"; PolyPhen-2: "Possibly Damaging"; Align-GVGD: "Not Available"). In summary, the available evidence is currently insufficient to determine the role of this variant in disease. Therefore, it has been classified as a Variant of Uncertain Significance.

NM_002184.4(IL6ST):c.1847_1848delinsCT (p.Gly616Ala)

Gene: IL6ST (interleukin 6 cytokine family signal transducer; minus strand). Cytogenetic location: 5q11.2.
Variant type: Indel.
Coding change: c.1847_1848delinsCT on transcript NM_002184.4 (MANE Select); coding-DNA positions 1847 to 1848, GA replaced by CT.
Protein change: p.Gly616Ala; replaces glycine 616 with alanine.
Molecular consequence: missense variant. On other transcripts: 3 prime UTR variant (1), non-coding transcript variant (2).
Genome position (GRCh38, 1-based): chr5:55,947,582-55,947,583, TC replaced by AG on the plus strand (GA replaced by CT on the coding strand, the reverse complement: IL6ST is on the minus strand). VCF-style: chr5-55947582-TC-AG. GRCh37 (hg19) VCF-style: chr5-55243410-TC-AG.
Other names: c.1664_1665delinsCT, p.Gly555Ala (NM_001190981.2); c.1745_1746delinsCT, p.Gly582Ala (NM_001364275.2); c.1637_1638delinsCT, p.Gly546Ala (NM_001364276.2); c.980_981delinsCT, p.Gly327Ala (NM_001364277.2); c.944_945delinsCT, p.Gly315Ala (NM_001364278.2); c.851_852delinsCT, p.Gly284Ala (NM_001364279.2); c.*774_*775delinsCT (NM_175767.3); c.1847_1848delinsCT (NM_002184.3); short protein forms G284A, G555A, G582A, G315A, G546A, G327A, G616A.
Identifiers: ClinVar variation 1525520 (VCV001525520.7), dbSNP rs2111640229, ClinGen allele CA2573139810.